The following is an entry in ClinVar:

ClinVar aggregate classification (germline): Uncertain significance (1 of 4 stars; one submission).

Conditions:
Linear nevus sebaceous syndrome. Also called: JADASSOHN NEVUS PHAKOMATOSIS; NEVUS SEBACEUS OF JADASSOHN; ORGANOID NEVUS PHAKOMATOSIS; SFM SYNDROME; Nevus, Sebaceous of Jadassohn; Sebaceous nevus syndrome and hemimegalencephaly. Identifiers: Orphanet 2612, MedGen C4552097, MONDO:0008097, OMIM 163200, HP:0010817.

Submission:

Clinical Genomics Laboratory, Washington University in St. Louis
Classification: Uncertain significance for Linear nevus sebaceous syndrome. Last evaluated: 2025-11-04. Review status: criteria provided, single submitter. Criteria: Leon-Quintero et al. (Clin Genet. 2025). Collection method: clinical testing. Allele origin: somatic.
Comment: An FGFR2 c.748+7T>G variant was identified at an allelic fraction consistent with somatic origin. The FGFR2 c.748+7T>G variant, to our knowledge, has not been reported in the medical literature. This variant is absent from the general population (gnomAD v4.1.0), indicating it is not a common variant. Computational predictors indicate that the variant has no impact on splicing, evidence that this variant does not have a damaging effect on FGFR2 function. Due to limited information, and based on internally developed protocol informed by the ACMG/AMP guidelines for variant interpretation and gene-specific practices from the ClinGen Criteria Specification Registry (Leon-Quintero FZ et al., PMID: 39434542), the clinical significance of the FGFR2 c.748+7T>G is uncertain at this time.

NM_000141.5(FGFR2):c.748+7T>G

Gene: FGFR2 (fibroblast growth factor receptor 2; minus strand). Cytogenetic location: 10q26.13.
Variant type: single nucleotide variant.
Coding change: c.748+7T>G on transcript NM_000141.5 (MANE Select); 7 bases into the intron after coding-DNA position 748, T replaced by G.
Molecular consequence: intron variant.
Genome position (GRCh38, 1-based): chr10:121,538,585, A>C on the plus strand (T>G on the coding strand, the complement: FGFR2 is on the minus strand). VCF-style: chr10-121538585-A-C. GRCh37 (hg19) VCF-style: chr10-123298099-A-C.
Other names: c.748+7T>G (NM_001144914.1, NM_001144917.2, NM_001320658.2 and 3 more transcripts); c.403+7T>G (NM_001144918.2, NM_001441091.1, NM_001441090.1 and 1 more transcripts); c.481+7T>G (NM_001441089.1, NM_023029.3, NM_001441088.1 and 2 more transcripts).
Identifiers: ClinVar variation 4974547 (VCV004974547.1).